The following is an entry in ClinVar:

NM_018026.4(PACS1):c.2628T>C (p.Thr876=)

Gene: PACS1 (phosphofurin acidic cluster sorting protein 1; plus strand). Cytogenetic location: 11q13.2.
Variant type: single nucleotide variant.
Coding change: c.2628T>C on transcript NM_018026.4 (MANE Select); coding-DNA position 2628, T replaced by C.
Protein change: p.Thr876=; no amino-acid change (threonine 876 retained).
Molecular consequence: synonymous variant.
Genome position (GRCh38, 1-based): chr11:66,241,625, T>C. VCF-style: chr11-66241625-T-C. GRCh37 (hg19) VCF-style: chr11-66009096-T-C.
Other names: c.2628T>C (NM_018026.3).
Identifiers: ClinVar variation 2165950 (VCV002165950.6), dbSNP rs767222489, ClinGen allele CA6116911.
Genomic context (GRCh38, chr11:66,241,625, plus strand): 5'-GCAGGTGTCCCGCCTGCCCCATAGTGGGGAGGCCCAGCTTTCTGGCACCATGGCCATGAC[T>C]GTGGTCACCAAAGAAAAGAACAAGAAAGGTAAGTACCCCCAAGGCCGGGGAAGACCATGG-3'
Protein context (NP_060496.2, residues 866-886): EAQLSGTMAM[Thr876=]VVTKEKNKKV

ClinVar aggregate classification (germline): Likely benign. Review status: criteria provided, single submitter (1 of 4 stars). 2 submissions from 2 submitters: Likely benign (1). 1 of the submissions does not count toward it. Last evaluated 2023-10-03.

Conditions:
Schuurs-Hoeijmakers syndrome. Also called: PACS1-Related Neurodevelopmental Disorder. Identifiers: Orphanet 329224, MedGen C3554343, MONDO:0014006, OMIM 615009.
PACS1-related disorder. Also called: PACS1-related condition.

Allele frequency attached by ClinVar (database versions not stated): gnomAD exomes below 0.00001; ExAC 0.00001.
gnomAD v4.1: 5 of 1,613,976 alleles (0.00031%); highest among the groups gnomAD compares: East Asian, 0.0067%; no homozygotes.

Submissions (2):

Labcorp Genetics (formerly Invitae), Labcorp
Classification: Likely benign for Schuurs-Hoeijmakers syndrome. Last evaluated: 2023-10-03. Review status: criteria provided, single submitter. Criteria: Invitae Variant Classification Sherloc (09022015). Collection method: clinical testing. Allele origin: germline.

PreventionGenetics, part of Exact Sciences
Classification: Likely benign for PACS1-related condition. Last evaluated: 2019-08-09. Review status: no assertion criteria provided. Collection method: clinical testing. Allele origin: germline. Not counted in ClinVar's aggregate classification.
Comment: This variant is classified as likely benign based on ACMG/AMP sequence variant interpretation guidelines (Richards et al. 2015 PMID: 25741868, with internal and published modifications).